The following is an entry in ClinVar:

NM_001374828.1(ARID1B):c.591GCA[6] (p.Gln214del)

Genes: ARID1B (AT-rich interaction domain 1B; plus strand), LOC115308161 (uncharacterized LOC115308161; minus strand). Cytogenetic location: 6q25.3.
Variant type: Microsatellite.
Coding change: c.591GCA[6] on transcript NM_001374828.1 (MANE Select); six copies in a row of the 3-base unit GCA starting at c.591; the reference has seven copies in a row; one copy, 3 bases deleted.
Protein change: p.Gln214del; deletes glutamine 214.
Molecular consequence: inframe deletion. On other transcripts: non-coding transcript variant (1).
Genome position (GRCh38, 1-based): chr6:156,778,289-156,778,291, GCA deleted; deleting any 3 consecutive bases within chr6:156,778,269-156,778,291 gives the same sequence; the position shown is the placement nearest the transcript's 3' end. VCF-style (leftmost placement, unchanged base first): chr6-156778268-CCAG-C. GRCh37 (hg19) VCF-style: chr6-157099402-CCAG-C.
Other names: c.609_611del (NM_001374820.1); c.340_342del (NM_020732.3); c.591GCA[6], p.Gln214del (NM_001371656.1, NM_001374820.1, NM_017519.3); c.360_362delGCA (NM_020732.3); short protein forms Q214del.
Identifiers: ClinVar variation 589060 (VCV000589060.18), dbSNP rs587779743, ClinGen allele CA4066645.

ClinVar aggregate classification (germline): Benign/Likely benign. Review status: criteria provided, multiple submitters, no conflicts (2 of 4 stars). 5 submissions from 5 submitters: Benign (3); Likely benign (1). 1 of the submissions does not count toward it. Last evaluated 2025-10-22.

Conditions:
Inborn genetic diseases. Identifiers: MedGen C0950123, MeSH D030342.
ARID1B-Related Disorder. Identifiers: MedGen CN381337.
Coffin-Siris syndrome 1 (CSS1). Also called: Mental retardation, autosomal dominant 12; ARID1B-Related Coffin-Siris Syndrome. Identifiers: Orphanet 1465, MedGen C3281201, MONDO:0007617, OMIM 135900. Disease mechanism: gain of function.

Submissions (5):

Labcorp Genetics (formerly Invitae), Labcorp
Classification: Benign. Last evaluated: 2025-10-22. Review status: criteria provided, single submitter. Criteria: Invitae Variant Classification Sherloc (09022015). Collection method: clinical testing. Allele origin: germline.

Fulgent Genetics
Classification: Likely benign for Coffin-Siris syndrome 1. Last evaluated: 2021-12-22. Review status: criteria provided, single submitter. Criteria: ACMG Guidelines, 2015. Collection method: clinical testing. Allele origin: unknown.

GeneDx
Classification: Benign. Last evaluated: 2020-02-28. Review status: criteria provided, single submitter. Criteria: GeneDx Variant Classification Process June 2021. Collection method: clinical testing. Allele origin: germline. Affected: yes.

Ambry Genetics
Classification: Benign for Inborn genetic diseases. Last evaluated: 2017-03-29. Review status: criteria provided, single submitter. Criteria: Ambry Variant Classification Scheme 2023. Collection method: clinical testing. Allele origin: germline.

PreventionGenetics, part of Exact Sciences
Classification: Benign for ARID1B-related condition. Last evaluated: 2019-03-25. Review status: no assertion criteria provided. Collection method: clinical testing. Allele origin: germline. Not counted in ClinVar's aggregate classification.
Comment: This variant is classified as benign based on ACMG/AMP sequence variant interpretation guidelines (Richards et al. 2015 PMID: 25741868, with internal and published modifications).